The following is an entry in ClinVar:

ClinVar aggregate classification (germline): Uncertain significance (1 of 4 stars; one submission).

Conditions:
Werner syndrome (WRN). Identifiers: Orphanet 902, MedGen C0043119, MONDO:0010196, OMIM 277700.

Submission:

Labcorp Genetics (formerly Invitae), Labcorp
Classification: Uncertain significance for Werner syndrome. Last evaluated: 2023-11-07. Review status: criteria provided, single submitter. Criteria: Invitae Variant Classification Sherloc (09022015). Collection method: clinical testing. Allele origin: germline.
Comment: This sequence change replaces leucine, which is neutral and non-polar, with glutamine, which is neutral and polar, at codon 169 of the WRN protein (p.Leu169Gln). This variant is not present in population databases (gnomAD no frequency). This variant has not been reported in the literature in individuals affected with WRN-related conditions. ClinVar contains an entry for this variant (Variation ID: 838468). An algorithm developed to predict the effect of missense changes on protein structure and function (PolyPhen-2) suggests that this variant is likely to be disruptive. Algorithms developed to predict the effect of sequence changes on RNA splicing suggest that this variant may create or strengthen a splice site. In summary, the available evidence is currently insufficient to determine the role of this variant in disease. Therefore, it has been classified as a Variant of Uncertain Significance.

NM_000553.6(WRN):c.506T>A (p.Leu169Gln)

Gene: WRN (WRN RecQ like helicase; plus strand). Cytogenetic location: 8p12.
Variant type: single nucleotide variant.
Coding change: c.506T>A on transcript NM_000553.6 (MANE Select); coding-DNA position 506, T replaced by A.
Protein change: p.Leu169Gln; replaces leucine 169 with glutamine.
Molecular consequence: missense variant.
Genome position (GRCh38, 1-based): chr8:31,067,034, T>A. VCF-style: chr8-31067034-T-A. GRCh37 (hg19) VCF-style: chr8-30924550-T-A.
Other names: short protein forms L169Q.
Identifiers: ClinVar variation 838468 (VCV000838468.6), dbSNP rs1812732644, ClinGen allele CA370915795.